The following is an entry in ClinVar:

ClinVar aggregate classification (germline): Benign/Likely benign. Review status: criteria provided, multiple submitters, no conflicts (2 of 4 stars). 3 submissions from 3 submitters: Benign (2); Likely benign (1). Last evaluated 2026-04-01.

Allele frequency attached by ClinVar (database versions not stated): TOPMed 0.00012; gnomAD exomes 0.00016 and 0.00058; gnomAD 0.00036 and 0.00055; ExAC 0.00052; 1000 Genomes Project 0.00100.
gnomAD v4.1: 255 of 1,494,776 alleles (0.017%); highest among the groups gnomAD compares: East Asian, 0.6%; no homozygotes.

Submissions (3):

CeGaT Center for Human Genetics Tuebingen
Classification: Benign. Last evaluated: 2026-04-01. Review status: criteria provided, single submitter. Criteria: CeGaT Center For Human Genetics Tuebingen Variant Classification Criteria Version 2. Collection method: clinical testing. Allele origin: germline. Affected: yes. Observed: 1 variant allele.
Comment: FAT2: BP4, BS1, BS2

Labcorp Genetics (formerly Invitae), Labcorp
Classification: Benign. Last evaluated: 2024-04-25. Review status: criteria provided, single submitter. Criteria: Invitae Variant Classification Sherloc (09022015). Collection method: clinical testing. Allele origin: germline.

Blueprint Genetics
Classification: Likely benign. Last evaluated: 2023-01-25. Review status: criteria provided, single submitter. Criteria: ACMG Guidelines, 2015. Collection method: clinical testing. Allele origin: germline.

NM_001447.3(FAT2):c.12060-4G>A

Genes: FAT2 (FAT atypical cadherin 2; minus strand), SLC36A1 (solute carrier family 36 member 1; plus strand). Cytogenetic location: 5q33.1.
Variant type: single nucleotide variant.
Coding change: c.12060-4G>A on transcript NM_001447.3 (MANE Select); 4 bases into the intron before coding-DNA position 12060, G replaced by A.
Molecular consequence: intron variant.
Genome position (GRCh38, 1-based): chr5:151,507,615, C>T on the plus strand (G>A on the coding strand, the complement: FAT2 is on the minus strand). VCF-style: chr5-151507615-C-T. GRCh37 (hg19) VCF-style: chr5-150887176-C-T.
Identifiers: ClinVar variation 732038 (VCV000732038.10), dbSNP rs201790770, ClinGen allele CA3519857.